The following is an entry in ClinVar:

NM_032043.3(BRIP1):c.1795-10T>C

Gene: BRIP1 (BRCA1 interacting DNA helicase 1; minus strand). Cytogenetic location: 17q23.2.
Variant type: single nucleotide variant.
Coding change: c.1795-10T>C on transcript NM_032043.3 (MANE Select); 10 bases into the intron before coding-DNA position 1795, T replaced by C.
Molecular consequence: intron variant.
Genome position (GRCh38, 1-based): chr17:61,780,411, A>G on the plus strand (T>C on the coding strand, the complement: BRIP1 is on the minus strand). VCF-style: chr17-61780411-A-G. GRCh37 (hg19) VCF-style: chr17-59857772-A-G.
Identifiers: ClinVar variation 3378512 (VCV003378512.4).

ClinVar aggregate classification (germline): Likely benign. Review status: criteria provided, multiple submitters, no conflicts (2 of 4 stars). 3 submissions from 3 submitters: Likely benign (3). Last evaluated 2025-11-17.

Conditions:
Hereditary cancer-predisposing syndrome. Also called: Hereditary Cancer Syndrome; Tumor predisposition; Hereditary neoplastic syndrome; Neoplastic Syndromes, Hereditary. Identifiers: Orphanet 140162, MedGen C0027672, MeSH D009386, MONDO:0015356.
Fanconi anemia complementation group J. Also called: BRIP1-Related Fanconi Anemia. Identifiers: Orphanet 84, MedGen C1836860, MONDO:0012187, OMIM 609054.
Familial cancer of breast. Also called: hereditary breast carcinoma; BREAST CANCER, FAMILIAL; Hereditary breast cancer. Identifiers: Orphanet 227535, MedGen C0346153, MONDO:0016419, OMIM 114480. Disease mechanism: loss of function.

Submissions (3):

Color Diagnostics, LLC DBA Color Health
Classification: Likely benign for Hereditary cancer-predisposing syndrome. Last evaluated: 2025-11-17. Review status: criteria provided, single submitter. Criteria: ACMG Guidelines, 2015. Collection method: clinical testing. Allele origin: germline.

Myriad Genetics, Inc.
Classification: Likely benign for Familial cancer of breast. Last evaluated: 2024-08-29. Review status: criteria provided, single submitter. Criteria: Myriad Autosomal Dominant, Autosomal Recessive and X-Linked Classification Criteria (2023). Collection method: clinical testing. Allele origin: unknown.
Comment: This variant is considered likely benign. This variant is intronic and is not expected to impact mRNA splicing.

Labcorp Genetics (formerly Invitae), Labcorp
Classification: Likely benign for Familial cancer of breast; Fanconi anemia complementation group J. Last evaluated: 2024-07-06. Review status: criteria provided, single submitter. Criteria: Invitae Variant Classification Sherloc (09022015). Collection method: clinical testing. Allele origin: germline.